The following is an entry in ClinVar:

NM_006031.6(PCNT):c.3732G>T (p.Met1244Ile)

Gene: PCNT (pericentrin; plus strand). Cytogenetic location: 21q22.3.
Variant type: single nucleotide variant.
Coding change: c.3732G>T on transcript NM_006031.6 (MANE Select); coding-DNA position 3732, G replaced by T.
Protein change: p.Met1244Ile; replaces methionine 1244 with isoleucine.
Molecular consequence: missense variant.
Genome position (GRCh38, 1-based): chr21:46,389,323, G>T. VCF-style: chr21-46389323-G-T. GRCh37 (hg19) VCF-style: chr21-47809238-G-T.
Other names: c.3378G>T, p.Met1126Ile (NM_001315529.2); short protein forms M1126I, M1244I.
Identifiers: ClinVar variation 3357837 (VCV003357837.1).
Genomic context (GRCh38, chr21:46,389,323, plus strand): 5'-ATGTGCAGAGATGTCTTCCGTGGCTGAAATTAGCAGCCACATGCGTGAAAGCTTTCTCAT[G>T]AGCCCAGAAAGTGTGCGGGAGTGTGAGCAGCCCATCCGGAGGGTCTTCCAGAGCCTCAGC-3'
Protein context (NP_006022.3, residues 1234-1254): ISSHMRESFL[Met1244Ile]SPESVRECEQ

ClinVar aggregate classification (germline): Uncertain significance (0 of 4 stars; one submission).

Conditions:
PCNT-related disorder. Also called: PCNT-related condition.

Submission:

PreventionGenetics, part of Exact Sciences
Classification: Uncertain significance for PCNT-related condition. Last evaluated: 2023-12-21. Review status: no assertion criteria provided. Collection method: clinical testing. Allele origin: germline.
Comment: The PCNT c.3732G>T variant is predicted to result in the amino acid substitution p.Met1244Ile. To our knowledge, this variant has not been reported in the literature or in a large population database indicating this variant is rare. At this time, the clinical significance of this variant is uncertain due to the absence of conclusive functional and genetic evidence.